The following is an entry in ClinVar:

NM_152564.5(VPS13B):c.6048G>A (p.Ala2016=)

Gene: VPS13B (vacuolar protein sorting 13 homolog B; plus strand). Cytogenetic location: 8q22.2.
Variant type: single nucleotide variant.
Coding change: c.6048G>A on transcript NM_152564.5 (MANE Select); coding-DNA position 6048, G replaced by A.
Protein change: p.Ala2016=; no amino-acid change (alanine 2016 retained).
Molecular consequence: synonymous variant.
Genome position (GRCh38, 1-based): chr8:99,699,526, G>A. VCF-style: chr8-99699526-G-A. GRCh37 (hg19) VCF-style: chr8-100711754-G-A.
Other names: c.6123G>A, p.Ala2041= (NM_017890.5); c.6048G>A (NM_152564.4).
Identifiers: ClinVar variation 1046333 (VCV001046333.12), dbSNP rs200691718, ClinGen allele CA4823934.

ClinVar aggregate classification (germline): Uncertain significance. Review status: criteria provided, multiple submitters, no conflicts (2 of 4 stars). 4 submissions from 4 submitters: Uncertain significance (3). 1 of the submissions does not count toward it. Last evaluated 2026-07-22.

Conditions:
VPS13B-related disorder. Also called: VPS13B-related condition.
Cohen syndrome (COH1). Also called: Cutis verticis gyrata, retinitis pigmentosa, and sensorineural deafness; PEPPER SYNDROME. Identifiers: Orphanet 193, MedGen C0265223, MONDO:0008999, OMIM 216550.

Allele frequency attached by ClinVar (database versions not stated): gnomAD exomes 0.00004 and 0.00005; ExAC 0.00005; gnomAD 0.00013; TOPMed 0.00014; ESP Exome Variant Server 0.00023.
gnomAD v4.1: 74 of 1,613,124 alleles (0.0046%); highest among the groups gnomAD compares: African/African-American, 0.019%; no homozygotes.

Submissions (4):

PreventionGenetics, part of Exact Sciences
Classification: Uncertain significance for VPS13B-related condition. Last evaluated: 2026-07-22. Review status: criteria provided, single submitter. Criteria: ACMG Guidelines, 2015. Collection method: clinical testing. Allele origin: germline.
Comment: The VPS13B c.6048G>A variant is not predicted to result in an amino acid change (p.=). This variant is predicted to alter splicing based on available splicing prediction programs (SpliceAI, Jaganathan et al. 2019. PubMed ID: 30661751); however, the use of computer prediction programs is not equivalent to functional evidence. To our knowledge, this variant has not been reported in the literature. This variant is reported in 0.011% of alleles in individuals of Latino descent in gnomAD. At this time, the clinical significance of this variant is uncertain due to the absence of conclusive functional and genetic evidence.

Labcorp Genetics (formerly Invitae), Labcorp
Classification: Uncertain significance for Cohen syndrome. Last evaluated: 2025-01-13. Review status: criteria provided, single submitter. Criteria: Invitae Variant Classification Sherloc (09022015). Collection method: clinical testing. Allele origin: germline.
Comment: This sequence change affects codon 2041 of the VPS13B mRNA. It is a 'silent' change, meaning that it does not change the encoded amino acid sequence of the VPS13B protein. This variant is present in population databases (rs200691718, gnomAD 0.01%). This variant has not been reported in the literature in individuals affected with VPS13B-related conditions. ClinVar contains an entry for this variant (Variation ID: 1046333). Algorithms developed to predict the effect of sequence changes on RNA splicing suggest that this variant may create or strengthen a splice site. In summary, the available evidence is currently insufficient to determine the role of this variant in disease. Therefore, it has been classified as a Variant of Uncertain Significance.

Blueprint Genetics
Classification: Uncertain significance. Last evaluated: 2024-08-06. Review status: criteria provided, single submitter. Criteria: ACMG Guidelines, 2015. Collection method: clinical testing. Allele origin: germline.

Natera, Inc.
Classification: Uncertain significance for Cohen syndrome. Last evaluated: 2020-03-20. Review status: no assertion criteria provided. Collection method: clinical testing. Allele origin: germline. Not counted in ClinVar's aggregate classification.